The following is an entry in ClinVar:

ClinVar aggregate classification (germline): Uncertain significance. Review status: criteria provided, multiple submitters, no conflicts (2 of 4 stars). 2 submissions from 2 submitters: Uncertain significance (2). Last evaluated 2026-04-27.

Conditions:
Cardiovascular phenotype. Identifiers: MedGen CN230736.
Arrhythmogenic right ventricular dysplasia 11. Also called: Arrhythmogenic Right Ventricular Dysplasia/Cardiomyopathy11; ARRHYTHMOGENIC RIGHT VENTRICULAR DYSPLASIA, FAMILIAL, 11; Arrhythmogenic right ventricular dysplasia 11 with mild palmoplantar keratoderma and woolly hair. Identifiers: MedGen C1864850, MONDO:0012506, OMIM 610476.

gnomAD v4.1: 1 of 1,613,968 alleles (0.000062%); highest among the groups gnomAD compares: African/African-American, 0.0013%; no homozygotes.

Submissions (2):

Ambry Genetics
Classification: Uncertain significance for Cardiovascular phenotype. Last evaluated: 2026-04-27. Review status: criteria provided, single submitter. Criteria: Ambry Variant Classification Scheme 2023. Collection method: clinical testing. Allele origin: germline.
Comment: The p.I594L variant (also known as c.1780A>C), located in coding exon 12 of the DSC2 gene, results from an A to C substitution at nucleotide position 1780. The isoleucine at codon 594 is replaced by leucine, an amino acid with highly similar properties. This amino acid position is conserved. In addition, this alteration is predicted to be tolerated by in silico analysis. Based on the available evidence, the clinical significance of this variant remains unclear.

Labcorp Genetics (formerly Invitae), Labcorp
Classification: Uncertain significance for Arrhythmogenic right ventricular dysplasia 11. Last evaluated: 2022-09-27. Review status: criteria provided, single submitter. Criteria: Invitae Variant Classification Sherloc (09022015). Collection method: clinical testing. Allele origin: germline.
Comment: In summary, the available evidence is currently insufficient to determine the role of this variant in disease. Therefore, it has been classified as a Variant of Uncertain Significance. This variant is present in population databases (no rsID available, gnomAD 0.007%). This variant has not been reported in the literature in individuals affected with DSC2-related conditions. ClinVar contains an entry for this variant (Variation ID: 945728). Advanced modeling of protein sequence and biophysical properties (such as structural, functional, and spatial information, amino acid conservation, physicochemical variation, residue mobility, and thermodynamic stability) performed at Invitae indicates that this missense variant is not expected to disrupt DSC2 protein function. This sequence change replaces isoleucine, which is neutral and non-polar, with leucine, which is neutral and non-polar, at codon 594 of the DSC2 protein (p.Ile594Leu).

NM_024422.6(DSC2):c.1780A>C (p.Ile594Leu)

Gene: DSC2 (desmocollin 2; minus strand). Cytogenetic location: 18q12.1.
Variant type: single nucleotide variant.
Coding change: c.1780A>C on transcript NM_024422.6 (MANE Select); coding-DNA position 1780, A replaced by C.
Protein change: p.Ile594Leu; replaces isoleucine 594 with leucine.
Molecular consequence: missense variant.
Genome position (GRCh38, 1-based): chr18:31,074,791, T>G on the plus strand (A>C on the coding strand, the complement: DSC2 is on the minus strand). VCF-style: chr18-31074791-T-G. GRCh37 (hg19) VCF-style: chr18-28654757-T-G.
Other names: c.1780A>C, p.Ile594Leu (NM_004949.5); c.1780A>C (NM_024422.3); short protein forms I594L.
Identifiers: ClinVar variation 945728 (VCV000945728.10), dbSNP rs1365493039, ClinGen allele CA402114042.
Genomic context (GRCh38, chr18:31,074,791, plus strand): 5'-TCTCCAGACTAAAGTCAAAGGGTGGGCCATGGATAGGCTCATCAGGATCAACCGCAACAA[T>G]CTCCGCAGATGACATGGTGGGTTTGCAGATGATCACTGTCTTTTTAGGTATGAATGGGCT-3'
Protein context (NP_077740.1, residues 584-604): ICKPTMSSAE[Ile594Leu]VAVDPDEPIH